The following is an entry in ClinVar:

NM_001286.5(CLCN6):c.1142T>C (p.Val381Ala)

Gene: CLCN6 (chloride voltage-gated channel 6; plus strand). Cytogenetic location: 1p36.22.
Variant type: single nucleotide variant.
Coding change: c.1142T>C on transcript NM_001286.5 (MANE Select); coding-DNA position 1142, T replaced by C.
Protein change: p.Val381Ala; replaces valine 381 with alanine.
Molecular consequence: missense variant. On other transcripts: non-coding transcript variant (1).
Genome position (GRCh38, 1-based): chr1:11,829,216, T>C. VCF-style: chr1-11829216-T-C. GRCh37 (hg19) VCF-style: chr1-11889273-T-C.
Other names: c.1076T>C, p.Val359Ala (NM_001256959.2); short protein forms V359A, V381A.
Identifiers: ClinVar variation 2716979 (VCV002716979.3), dbSNP rs1461662581, ClinGen allele CA338431066.

ClinVar aggregate classification (germline): Uncertain significance (1 of 4 stars; one submission).

Submission:

Labcorp Genetics (formerly Invitae), Labcorp
Classification: Uncertain significance. Last evaluated: 2023-05-25. Review status: criteria provided, single submitter. Criteria: Invitae Variant Classification Sherloc (09022015). Collection method: clinical testing. Allele origin: germline.
Comment: This sequence change replaces valine, which is neutral and non-polar, with alanine, which is neutral and non-polar, at codon 381 of the CLCN6 protein (p.Val381Ala). In summary, the available evidence is currently insufficient to determine the role of this variant in disease. Therefore, it has been classified as a Variant of Uncertain Significance. An algorithm developed to predict the effect of missense changes on protein structure and function (PolyPhen-2) suggests that this variant is likely to be disruptive. This variant has not been reported in the literature in individuals affected with CLCN6-related conditions. This variant is not present in population databases (gnomAD no frequency).